The following is an entry in ClinVar:

NM_012203.2(GRHPR):c.493+9C>T

Gene: GRHPR (glyoxylate and hydroxypyruvate reductase; plus strand). Cytogenetic location: 9p13.2.
Variant type: single nucleotide variant.
Coding change: c.493+9C>T on transcript NM_012203.2 (MANE Select); 9 bases into the intron after coding-DNA position 493, C replaced by T.
Molecular consequence: intron variant.
Genome position (GRCh38, 1-based): chr9:37,428,581, C>T. VCF-style: chr9-37428581-C-T. GRCh37 (hg19) VCF-style: chr9-37428578-C-T.
Other names: p.?.
Identifiers: ClinVar variation 260213 (VCV000260213.19), dbSNP rs41303225, ClinGen allele CA5059068.

ClinVar aggregate classification (germline): Benign/Likely benign. Review status: criteria provided, multiple submitters, no conflicts (2 of 4 stars). 6 submissions from 6 submitters: Benign (3); Likely benign (2). 1 of the submissions does not count toward it. Last evaluated 2026-02-01.

Conditions:
Primary hyperoxaluria, type II (HP2). Also called: OXALOSIS II; Primary hyperoxaluria type 2; D-GLYCERATE DEHYDROGENASE DEFICIENCY; GLYCERIC ACIDURIA; GLYOXYLATE REDUCTASE/HYDROXYPYRUVATE REDUCTASE DEFICIENCY. Identifiers: Orphanet 416, Orphanet 93599, MedGen C0268165, MONDO:0009824, OMIM 260000. Disease mechanism: loss of function.

Allele frequency attached by ClinVar (database versions not stated): 1000 Genomes Project 0.00499; 1000 Genomes Project 30x 0.00531; ExAC 0.00985; gnomAD 0.00861 and 0.00873; gnomAD exomes 0.01165 and 0.00904; TOPMed 0.00756; ESP Exome Variant Server 0.01069.
gnomAD v4.1: 17,804 of 1,579,830 alleles (1.1%); highest among the groups gnomAD compares: Non-Finnish European, 1.3%; 135 homozygotes.

Submissions (6):

Labcorp Genetics (formerly Invitae), Labcorp
Classification: Benign. Last evaluated: 2026-02-01. Review status: criteria provided, single submitter. Criteria: Invitae Variant Classification Sherloc (09022015). Collection method: clinical testing. Allele origin: germline.

Mayo Clinic Laboratories, Mayo Clinic
Classification: Benign. Last evaluated: 2023-08-08. Review status: criteria provided, single submitter. Criteria: ACMG Guidelines, 2015. Collection method: clinical testing. Allele origin: germline. Observed: 5 variant alleles.
Comment: BS1, BS2, BP4, BP7

Illumina Laboratory Services, Illumina
Classification: Likely benign for Primary hyperoxaluria, type II. Last evaluated: 2018-01-13. Review status: criteria provided, single submitter. Criteria: ICSL Variant Classification Criteria 13 December 2019. Collection method: clinical testing. Allele origin: germline.
Comment: This variant was observed in the ICSL laboratory as part of a predisposition screen in an ostensibly healthy population. It had not been previously curated by ICSL or reported in the Human Gene Mutation Database (HGMD: prior to June 1st, 2018), and was therefore a candidate for classification through an automated scoring system. Utilizing variant allele frequency, disease prevalence and penetrance estimates, and inheritance mode, an automated score was calculated to assess if this variant is too frequent to cause the disease. Based on the score and internal cut-off values, a variant classified as likely benign is not then subjected to further curation. The score for this variant resulted in a classification of likely benign for this disease.

Breakthrough Genomics
Classification: Likely benign. Review status: criteria provided, single submitter. Criteria: ACMG Guidelines, 2015. Collection method: not provided. Allele origin: germline. Inheritance: Autosomal recessive inheritance. Affected: yes.

PreventionGenetics, part of Exact Sciences
Classification: Benign. Review status: criteria provided, single submitter. Criteria: ACMG Guidelines, 2015. Collection method: clinical testing. Allele origin: germline.

Natera, Inc.
Classification: Benign for Primary hyperoxaluria type II. Last evaluated: 2020-09-16. Review status: no assertion criteria provided. Collection method: clinical testing. Allele origin: germline. Not counted in ClinVar's aggregate classification.